The following is an entry in ClinVar:

NM_015001.3(SPEN):c.9259A>T (p.Thr3087Ser)

Gene: SPEN (spen family transcriptional repressor; plus strand). Cytogenetic location: 1p36.13.
Variant type: single nucleotide variant.
Coding change: c.9259A>T on transcript NM_015001.3 (MANE Select); coding-DNA position 9259, A replaced by T.
Protein change: p.Thr3087Ser; replaces threonine 3087 with serine.
Molecular consequence: missense variant.
Genome position (GRCh38, 1-based): chr1:15,935,499, A>T. VCF-style: chr1-15935499-A-T. GRCh37 (hg19) VCF-style: chr1-16261994-A-T.
Other names: short protein forms T3087S.
Identifiers: ClinVar variation 4527048 (VCV004527048.1).

ClinVar aggregate classification (germline): Uncertain significance (1 of 4 stars; one submission).

Submission:

GeneDx
Classification: Uncertain significance. Last evaluated: 2025-04-23. Review status: criteria provided, single submitter. Criteria: GeneDx Variant Classification Process June 2021. Collection method: clinical testing. Allele origin: germline. Affected: yes.
Comment: Not observed at significant frequency in large population cohorts (gnomAD); In silico analysis indicates that this missense variant does not alter protein structure/function; Has not been previously published as pathogenic or benign to our knowledge